The following is an entry in ClinVar:

NM_001130438.3(SPTAN1):c.5549T>C (p.Leu1850Pro)

Gene: SPTAN1 (spectrin alpha, non-erythrocytic 1; plus strand). Cytogenetic location: 9q34.11.
Variant type: single nucleotide variant.
Coding change: c.5549T>C on transcript NM_001130438.3 (MANE Select); coding-DNA position 5549, T replaced by C.
Protein change: p.Leu1850Pro; replaces leucine 1850 with proline.
Molecular consequence: missense variant.
Genome position (GRCh38, 1-based): chr9:128,618,057, T>C. VCF-style: chr9-128618057-T-C. GRCh37 (hg19) VCF-style: chr9-131380336-T-C.
Other names: c.5549T>C, p.Leu1850Pro (NM_001375311.2, NM_001375313.1, NM_001363759.2 and 1 more transcripts); c.5585T>C, p.Leu1862Pro (NM_001375312.2, NM_001375318.1, NM_001438440.1); c.5489T>C, p.Leu1830Pro (NM_001375314.2, NM_001438442.1, NM_001363765.2); c.5474T>C, p.Leu1825Pro (NM_001438441.1, NM_001438444.1, NM_001195532.2); c.5534T>C, p.Leu1845Pro (NM_001438443.1, NM_001438445.1, NM_003127.4); short protein forms L1825P, L1830P, L1845P, L1850P, L1862P.
Identifiers: ClinVar variation 4801858 (VCV004801858.1).

ClinVar aggregate classification (germline): Uncertain significance (1 of 4 stars; one submission).

Conditions:
Early-infantile DEE. Also called: Early infantile epileptic encephalopathy; Early infantile epileptic encephalopathy with suppression bursts; Ohtahara syndrome. Identifiers: Orphanet 1934, MedGen C0393706, MONDO:0800491.

Submission:

Labcorp Genetics (formerly Invitae), Labcorp
Classification: Uncertain significance for Early-infantile DEE. Last evaluated: 2025-04-09. Review status: criteria provided, single submitter. Criteria: Invitae Variant Classification Sherloc (09022015). Collection method: clinical testing. Allele origin: germline.
Comment: This sequence change replaces leucine, which is neutral and non-polar, with proline, which is neutral and non-polar, at codon 1850 of the SPTAN1 protein (p.Leu1850Pro). This variant is not present in population databases (gnomAD no frequency). This variant has not been reported in the literature in individuals affected with SPTAN1-related conditions. Invitae Evidence Modeling of protein sequence and biophysical properties (such as structural, functional, and spatial information, amino acid conservation, physicochemical variation, residue mobility, and thermodynamic stability) has been performed for this missense variant. However, the output from this modeling did not meet the statistical confidence thresholds required to predict the impact of this variant on SPTAN1 protein function. In summary, the available evidence is currently insufficient to determine the role of this variant in disease. Therefore, it has been classified as a Variant of Uncertain Significance.